The following is an entry in ClinVar:

ClinVar aggregate classification (germline): Benign/Likely benign. Review status: criteria provided, multiple submitters, no conflicts (2 of 4 stars). 7 submissions from 7 submitters: Benign (2); Likely benign (3). 2 of the submissions do not count toward it. Last evaluated 2025-11-05.

Conditions:
Dextro-looped transposition of the great arteries. Also called: Dextrotransposition of the great arteries. Identifiers: Orphanet 860, MedGen C3531771, MONDO:0019443, OMIM 608808, HP:0031348.

Allele frequency attached by ClinVar (database versions not stated): ESP Exome Variant Server 0.00054; TOPMed 0.00054; 1000 Genomes Project 30x 0.00062; 1000 Genomes Project 0.00080; gnomAD exomes 0.00175 and 0.00275; gnomAD 0.00210 and 0.00222; ExAC 0.00291.
gnomAD v4.1: 2,859 of 1,613,982 alleles (0.18%); highest among the groups gnomAD compares: Non-Finnish European, 0.12%; 22 homozygotes.

Submissions (7):

Labcorp Genetics (formerly Invitae), Labcorp
Classification: Benign for Dextro-looped transposition of the great arteries. Last evaluated: 2025-11-05. Review status: criteria provided, single submitter. Criteria: Invitae Variant Classification Sherloc (09022015). Collection method: clinical testing. Allele origin: germline.

CeGaT Center for Human Genetics Tuebingen
Classification: Likely benign. Last evaluated: 2024-05-01. Review status: criteria provided, single submitter. Criteria: CeGaT Center For Human Genetics Tuebingen Variant Classification Criteria Version 2. Collection method: clinical testing. Allele origin: germline. Affected: yes. Observed: 3 variant alleles.
Comment: MED13L: BS1

GeneDx
Classification: Benign. Last evaluated: 2021-05-11. Review status: criteria provided, single submitter. Criteria: GeneDx Variant Classification Process June 2021. Collection method: clinical testing. Allele origin: germline. Affected: yes.

Center for Pediatric Genomic Medicine, Children's Mercy Hospital and Clinics
Classification: Likely benign. Last evaluated: 2017-02-03. Review status: criteria provided, single submitter. Criteria: ACMG Guidelines, 2015. Collection method: clinical testing. Allele origin: germline.
ClinVar note: Converted during submission from Likely Benign to Likely benign.

Breakthrough Genomics
Classification: Likely benign. Review status: criteria provided, single submitter. Criteria: ACMG Guidelines, 2015. Collection method: not provided. Allele origin: germline. Inheritance: Autosomal dominant inheritance. Affected: yes.

Clinical Genetics DNA and cytogenetics Diagnostics Lab, Erasmus MC, Erasmus Medical Center
Classification: Likely benign. Review status: no assertion criteria provided. Collection method: clinical testing. Allele origin: germline. Affected: yes. Study: VKGL Data-share Consensus. Not counted in ClinVar's aggregate classification.

Joint Genome Diagnostic Labs from Nijmegen and Maastricht, Radboudumc and MUMC+
Classification: Benign. Review status: no assertion criteria provided. Collection method: clinical testing. Allele origin: germline. Affected: yes. Study: VKGL Data-share Consensus. Not counted in ClinVar's aggregate classification.

NM_015335.5(MED13L):c.1283A>G (p.His428Arg)

Gene: MED13L (mediator complex subunit 13L; minus strand). Cytogenetic location: 12q24.21.
Variant type: single nucleotide variant.
Coding change: c.1283A>G on transcript NM_015335.5 (MANE Select); coding-DNA position 1283, A replaced by G.
Protein change: p.His428Arg; replaces histidine 428 with arginine.
Molecular consequence: missense variant.
Genome position (GRCh38, 1-based): chr12:116,009,130, T>C on the plus strand (A>G on the coding strand, the complement: MED13L is on the minus strand). VCF-style: chr12-116009130-T-C. GRCh37 (hg19) VCF-style: chr12-116446935-T-C.
Other names: short protein forms H428R.
Identifiers: ClinVar variation 376878 (VCV000376878.41), dbSNP rs144410580, ClinGen allele CA6811434.
Genomic context (GRCh38, chr12:116,009,130, plus strand): 5'-CCTGGTTGAGATACTGTGGGAGGTCGATTGGGCCCGACTGCACAACGTTTTAAAAGCTTA[T>C]GCCTAAAATGAGAGTAAACAATTACATCATTATAACATTAAGAAAAGAGATTCTCTGACA-3'
Protein context (NP_056150.1, residues 418-438): TQRVSCSCSR[His428Arg]KLLKRCAVGP